The following is an entry in ClinVar:

ClinVar aggregate classification (germline): Uncertain significance (1 of 4 stars; one submission).

Conditions:
Propionic acidemia (PROP). Also called: GLYCINEMIA, KETOTIC; HYPERGLYCINEMIA WITH KETOACIDOSIS AND LEUKOPENIA; KETOTIC HYPERGLYCINEMIA. Identifiers: Orphanet 35, MedGen C0268579, MONDO:0011628, OMIM 606054, HP:0003571.

Allele frequency attached by ClinVar (database versions not stated): gnomAD 0.00001.
gnomAD v4.1: 1 of 1,589,392 alleles (0.000063%); highest among the groups gnomAD compares: Non-Finnish European, 0.000086%; no homozygotes.

Submission:

Labcorp Genetics (formerly Invitae), Labcorp
Classification: Uncertain significance for Propionic acidemia. Last evaluated: 2022-07-22. Review status: criteria provided, single submitter. Criteria: Invitae Variant Classification Sherloc (09022015). Collection method: clinical testing. Allele origin: germline.
Comment: In summary, the available evidence is currently insufficient to determine the role of this variant in disease. Therefore, it has been classified as a Variant of Uncertain Significance. Advanced modeling of protein sequence and biophysical properties (such as structural, functional, and spatial information, amino acid conservation, physicochemical variation, residue mobility, and thermodynamic stability) performed at Invitae indicates that this missense variant is not expected to disrupt PCCA protein function. This variant has not been reported in the literature in individuals affected with PCCA-related conditions. This variant is present in population databases (no rsID available, gnomAD 0.007%). This sequence change replaces histidine, which is basic and polar, with glutamine, which is neutral and polar, at codon 542 of the PCCA protein (p.His542Gln).

NM_000282.4(PCCA):c.1626T>G (p.His542Gln)

Gene: PCCA (propionyl-CoA carboxylase subunit alpha; plus strand). Cytogenetic location: 13q32.3.
Variant type: single nucleotide variant.
Coding change: c.1626T>G on transcript NM_000282.4 (MANE Select); coding-DNA position 1626, T replaced by G.
Protein change: p.His542Gln; replaces histidine 542 with glutamine.
Molecular consequence: missense variant. On other transcripts: non-coding transcript variant (5).
Genome position (GRCh38, 1-based): chr13:100,340,242, T>G. VCF-style: chr13-100340242-T-G. GRCh37 (hg19) VCF-style: chr13-100992496-T-G.
Other names: c.1548T>G, p.His516Gln (NM_001127692.3, NM_001352607.2); c.1626T>G, p.His542Gln (NM_001178004.2, NM_001352605.2, NM_001352609.2); c.1482T>G, p.His494Gln (NM_001352606.2); c.1404T>G, p.His468Gln (NM_001352608.2); c.681T>G, p.His227Gln (NM_001352610.2, NM_001352611.2); c.537T>G, p.His179Gln (NM_001352612.2); short protein forms H179Q, H542Q, H227Q, H468Q, H494Q, H516Q.
Identifiers: ClinVar variation 1946084 (VCV001946084.4), dbSNP rs1482694826, ClinGen allele CA388696480.